The following is an entry in ClinVar:

NM_004369.4(COL6A3):c.6309G>A (p.Lys2103=)

Genes: COL6A3 (collagen type VI alpha 3 chain; minus strand), LOC122889011 (Sharpr-MPRA regulatory region 1020; plus strand). Cytogenetic location: 2q37.3.
Variant type: single nucleotide variant.
Coding change: c.6309G>A on transcript NM_004369.4 (MANE Select); coding-DNA position 6309, G replaced by A.
Protein change: p.Lys2103=; no amino-acid change (lysine 2103 retained).
Molecular consequence: synonymous variant.
Genome position (GRCh38, 1-based): chr2:237,359,362, C>T on the plus strand (G>A on the coding strand, the complement: COL6A3 is on the minus strand). VCF-style: chr2-237359362-C-T. GRCh37 (hg19) VCF-style: chr2-238268005-C-T.
Other names: c.4488G>A, p.Lys1496= (NM_057166.5); c.5691G>A, p.Lys1897= (NM_057167.4).
Identifiers: ClinVar variation 659368 (VCV000659368.9), dbSNP rs1574975196, ClinGen allele CA431678349.

ClinVar aggregate classification (germline): Pathogenic (1 of 4 stars; one submission).

Conditions:
Bethlem myopathy 1A. Also called: Bethlem Muscular Dystrophy; Bethlem myopathy 1; MYOPATHY, BENIGN CONGENITAL, WITH CONTRACTURES. Identifiers: Orphanet 610, MedGen CN029274, MONDO:0024530, OMIM 158810.

Submission:

Labcorp Genetics (formerly Invitae), Labcorp
Classification: Pathogenic for Bethlem myopathy 1A. Last evaluated: 2022-07-24. Review status: criteria provided, single submitter. Criteria: Invitae Variant Classification Sherloc (09022015). Collection method: clinical testing. Allele origin: germline.
Comment: This sequence change affects codon 2103 of the COL6A3 mRNA. It is a 'silent' change, meaning that it does not change the encoded amino acid sequence of the COL6A3 protein. This variant also falls at the last nucleotide of exon 18, which is part of the consensus splice site for this exon. This variant is not present in population databases (gnomAD no frequency). This variant has been observed in individual(s) with autosomal dominant collagen VI-related myopathy (PMID: 34167565; Invitae). In at least one individual the variant was observed to be de novo. ClinVar contains an entry for this variant (Variation ID: 659368). Variants that disrupt the consensus splice site are a relatively common cause of aberrant splicing (PMID: 17576681, 9536098). Algorithms developed to predict the effect of sequence changes on RNA splicing suggest that this variant may disrupt the consensus splice site. For these reasons, this variant has been classified as Pathogenic.

Literature cited by the submitters: PubMed 34167565; PubMed 17576681; PubMed 9536098.